The following is an entry in ClinVar:

ClinVar aggregate classification (germline): Uncertain significance. Review status: criteria provided, multiple submitters, no conflicts (2 of 4 stars). 3 submissions from 3 submitters: Uncertain significance (3). Last evaluated 2024-01-24.

Conditions:
Inborn genetic diseases. Identifiers: MedGen C0950123, MeSH D030342.
Spastic paraplegia. Identifiers: MedGen C0037772, HP:0001258.

Allele frequency attached by ClinVar (database versions not stated): ExAC 0.00003; TOPMed 0.00003; ESP Exome Variant Server 0.00008.
gnomAD v4.1: 59 of 1,614,026 alleles (0.0037%); highest among the groups gnomAD compares: Admixed American, 0.005%; no homozygotes.

Submissions (3):

Ambry Genetics
Classification: Uncertain significance for Inborn genetic diseases. Last evaluated: 2024-01-24. Review status: criteria provided, single submitter. Criteria: Ambry Variant Classification Scheme 2023. Collection method: clinical testing. Allele origin: germline.

Mayo Clinic Laboratories, Mayo Clinic
Classification: Uncertain significance. Last evaluated: 2023-03-03. Review status: criteria provided, single submitter. Criteria: ACMG Guidelines, 2015. Collection method: clinical testing. Allele origin: germline. Observed: 1 variant allele.
Comment: BP4

Labcorp Genetics (formerly Invitae), Labcorp
Classification: Uncertain significance for Spastic paraplegia. Last evaluated: 2021-09-24. Review status: criteria provided, single submitter. Criteria: Invitae Variant Classification Sherloc (09022015). Collection method: clinical testing. Allele origin: germline.
Comment: This sequence change replaces alanine with serine at codon 1372 of the ZFYVE26 protein (p.Ala1372Ser). The alanine residue is highly conserved and there is a moderate physicochemical difference between alanine and serine. This variant is present in population databases (rs150109768, ExAC 0.006%). This variant has not been reported in the literature in individuals with ZFYVE26-related disease. Algorithms developed to predict the effect of missense changes on protein structure and function (SIFT, PolyPhen-2, Align-GVGD) all suggest that this variant is likely to be tolerated, but these predictions have not been confirmed by published functional studies and their clinical significance is uncertain. In summary, the available evidence is currently insufficient to determine the role of this variant in disease. Therefore, it has been classified as a Variant of Uncertain Significance.

NM_015346.4(ZFYVE26):c.4114G>T (p.Ala1372Ser)

Gene: ZFYVE26 (zinc finger FYVE-type containing 26; minus strand). Cytogenetic location: 14q24.1.
Variant type: single nucleotide variant.
Coding change: c.4114G>T on transcript NM_015346.4 (MANE Select); coding-DNA position 4114, G replaced by T.
Protein change: p.Ala1372Ser; replaces alanine 1372 with serine.
Molecular consequence: missense variant.
Genome position (GRCh38, 1-based): chr14:67,783,038, C>A on the plus strand (G>T on the coding strand, the complement: ZFYVE26 is on the minus strand). VCF-style: chr14-67783038-C-A. GRCh37 (hg19) VCF-style: chr14-68249755-C-A.
Other names: p.Ala1372Ser; c.4114G>T (NM_015346.3); short protein forms A1372S.
Identifiers: ClinVar variation 2086096 (VCV002086096.3), dbSNP rs150109768, ClinGen allele CA7239832.
Genomic context (GRCh38, chr14:67,783,038, plus strand): 5'-AGAGATTCACTGCCAGACTCTGCCCCTGCTGCAAAGACCCTCGCAGGGGCTCCCAGGCAG[C>A]CAGGAGGAAGGCCTCAAACAGAGGGAATTGTTCCAGAAGGCGCTCACACTCCCGGGCTAC-3'
Protein context (NP_056161.2, residues 1362-1382): QFPLFEAFLL[Ala1372Ser]AWEPLRGSLQ